The following is an entry in ClinVar:

NM_001377.3(DYNC2H1):c.12833A>T (p.Asp4278Val)

Gene: DYNC2H1 (dynein cytoplasmic 2 heavy chain 1; plus strand). Cytogenetic location: 11q22.3.
Variant type: single nucleotide variant.
Coding change: c.12833A>T on transcript NM_001377.3 (MANE Select); coding-DNA position 12833, A replaced by T.
Protein change: p.Asp4278Val; replaces aspartic acid 4278 with valine.
Molecular consequence: missense variant.
Genome position (GRCh38, 1-based): chr11:103,479,162, A>T. VCF-style: chr11-103479162-A-T. GRCh37 (hg19) VCF-style: chr11-103349890-A-T.
Other names: c.12854A>T, p.Asp4285Val (NM_001080463.2); short protein forms D4278V, D4285V.
Identifiers: ClinVar variation 1158333 (VCV001158333.15), dbSNP rs200268681, ClinGen allele CA6255696.

ClinVar aggregate classification (germline): Conflicting classifications of pathogenicity. Review status: criteria provided, conflicting classifications (1 of 4 stars). 4 submissions from 4 submitters: Uncertain significance (3); Likely benign (1). Last evaluated 2025-12-15.

Conditions:
Inborn genetic diseases. Identifiers: MedGen C0950123, MeSH D030342.
Jeune thoracic dystrophy. Also called: Infantile thoracic dystrophy; Thoracic pelvic phalangeal dystrophy; Jeune's syndrome; Chondroectodermal dysplasia-like syndrome; Short-rib thoracic dysplasia; Jeune syndrome. Identifiers: Orphanet 474, MedGen C0265275, MONDO:0018770.

Allele frequency attached by ClinVar (database versions not stated): gnomAD 0.00008 and 0.00009; gnomAD exomes 0.00009; ExAC 0.00010; TOPMed 0.00010; ESP Exome Variant Server 0.00016.
gnomAD v4.1: 166 of 1,613,458 alleles (0.01%); highest among the groups gnomAD compares: Non-Finnish European, 0.013%; no homozygotes.

Submissions (4):

Labcorp Genetics (formerly Invitae), Labcorp
Classification: Likely benign for Jeune thoracic dystrophy. Last evaluated: 2025-12-15. Review status: criteria provided, single submitter. Criteria: Invitae Variant Classification Sherloc (09022015). Collection method: clinical testing. Allele origin: germline.

Ambry Genetics
Classification: Uncertain significance for Inborn genetic diseases. Last evaluated: 2025-04-14. Review status: criteria provided, single submitter. Criteria: Ambry Variant Classification Scheme 2023. Collection method: clinical testing. Allele origin: germline.

Blueprint Genetics
Classification: Uncertain significance. Last evaluated: 2024-08-12. Review status: criteria provided, single submitter. Criteria: ACMG Guidelines, 2015. Collection method: clinical testing. Allele origin: germline.

GeneDx
Classification: Uncertain significance. Last evaluated: 2019-11-25. Review status: criteria provided, single submitter. Criteria: GeneDx Variant Classification Process June 2021. Collection method: clinical testing. Allele origin: germline. Affected: yes.
Comment: In silico analysis, which includes protein predictors and evolutionary conservation, supports a deleterious effect; Has not been previously published as pathogenic or benign to our knowledge